The following is an entry in ClinVar:

ClinVar aggregate classification (germline): Uncertain significance. Review status: criteria provided, multiple submitters, no conflicts (2 of 4 stars). 3 submissions from 3 submitters: Uncertain significance (3). Last evaluated 2025-10-25.

Conditions:
Dilated cardiomyopathy 1G (CMD1G). Identifiers: Orphanet 154, MedGen C1858763, MONDO:0011400, OMIM 604145.
Autosomal recessive limb-girdle muscular dystrophy type 2J (LGMDR10). Also called: MUSCULAR DYSTROPHY, LIMB-GIRDLE, AUTOSOMAL RECESSIVE 10; Limb-girdle muscular dystrophy, type 2J. Identifiers: Orphanet 140922, MedGen C1837342, MONDO:0012127, OMIM 608807.
Hypertrophic cardiomyopathy 9. Also called: Familial hypertrophic cardiomyopathy 9. Identifiers: MedGen C1861065, MONDO:0013412, OMIM 613765.

Allele frequency attached by ClinVar (database versions not stated): gnomAD exomes below 0.00001; ExAC 0.00002; gnomAD 0.00002; TOPMed 0.00002; 1000 Genomes Project 30x 0.00016; 1000 Genomes Project 0.00020.
gnomAD v4.1: 8 of 1,613,914 alleles (0.0005%); highest among the groups gnomAD compares: African/African-American, 0.004%; no homozygotes.

Submissions (3):

Labcorp Genetics (formerly Invitae), Labcorp
Classification: Uncertain significance for Dilated cardiomyopathy 1G; Autosomal recessive limb-girdle muscular dystrophy type 2J. Last evaluated: 2025-10-25. Review status: criteria provided, single submitter. Criteria: Invitae Variant Classification Sherloc (09022015). Collection method: clinical testing. Allele origin: germline.
Comment: This sequence change replaces leucine, which is neutral and non-polar, with proline, which is neutral and non-polar, at codon 34254 of the TTN protein (p.Leu34254Pro). This variant is present in population databases (rs556155561, gnomAD 0.007%). This variant has not been reported in the literature in individuals affected with TTN-related conditions. ClinVar contains an entry for this variant (Variation ID: 203068). Experimental studies and prediction algorithms are not available or were not evaluated, and the functional significance of this variant is currently unknown. This variant is located in the M band of TTN (PMID: 25589632). Non-truncating variants in this region may be relevant for neuromuscular disorders, but have not been definitively shown to cause cardiomyopathy (PMID: 23975875). In summary, the available evidence is currently insufficient to determine the role of this variant in disease. Therefore, it has been classified as a Variant of Uncertain Significance.

New York Genome Center
Classification: Uncertain significance for Dilated cardiomyopathy 1G; Hypertrophic cardiomyopathy 9. Last evaluated: 2023-01-17. Review status: criteria provided, single submitter. Criteria: NYGC Assertion Criteria 2020. Collection method: clinical testing. Allele origin: germline. Observed: 1 heterozygote.

GeneDx
Classification: Uncertain significance. Last evaluated: 2014-07-09. Review status: criteria provided, single submitter. Criteria: GeneDx Variant Classification (06012015). Collection method: clinical testing. Allele origin: germline. Affected: yes.
Comment: Missense variants in the TTN gene are considered 'unclassified' if they are not previously reported in the literature and do not have >1% frequency in the population to be considered a polymorphism. Research indicates that truncating mutations in the TTN gene are expected to account for approximately 25% of familial and 18% of sporadic idiopathic DCM; however, truncating variants in the TTN gene have been reported in approximately 3% of reported control alleles. There has been little investigation into non-truncating variants. (Herman D et al. Truncations of titin causing dilated cardiomyopathy. N Eng J Med 366:619-628, 2012) The variant is found in DCM-CRDM panel(s).

Literature cited by the submitters: PubMed 25589632 (cited by Labcorp Genetics (formerly Invitae), Labcorp); PubMed 23975875 (cited by Labcorp Genetics (formerly Invitae), Labcorp).

NM_001267550.2(TTN):c.102761T>C (p.Leu34254Pro)

Genes: TTN (titin; minus strand), TTN-AS1 (TTN antisense RNA 1; plus strand). Cytogenetic location: 2q31.2.
Variant type: single nucleotide variant.
Coding change: c.102761T>C on transcript NM_001267550.2 (MANE Select); coding-DNA position 102761, T replaced by C.
Protein change: p.Leu34254Pro; replaces leucine 34254 with proline.
Molecular consequence: missense variant.
Genome position (GRCh38, 1-based): chr2:178,533,854, A>G on the plus strand (T>C on the coding strand, the complement: TTN is on the minus strand). VCF-style: chr2-178533854-A-G. GRCh37 (hg19) VCF-style: chr2-179398581-A-G.
Other names: p.L32613P:CTG>CCG; c.97838T>C, p.Leu32613Pro (NM_001256850.1); c.75566T>C, p.Leu25189Pro (NM_003319.4); c.95057T>C, p.Leu31686Pro (NM_133378.4); c.75941T>C, p.Leu25314Pro (NM_133432.3); c.76142T>C, p.Leu25381Pro (NM_133437.4); short protein forms L32613P, L34254P, L25189P, L31686P, L25314P, L25381P.
Identifiers: ClinVar variation 203068 (VCV000203068.13), dbSNP rs556155561, ClinGen allele CA311142.